The following is an entry in ClinVar:

NM_001080449.3(DNA2):c.1941G>A (p.Val647=)

Gene: DNA2 (DNA replication helicase/nuclease 2; minus strand). Cytogenetic location: 10q21.3.
Variant type: single nucleotide variant.
Coding change: c.1941G>A on transcript NM_001080449.3 (MANE Select); coding-DNA position 1941, G replaced by A.
Protein change: p.Val647=; no amino-acid change (valine 647 retained).
Molecular consequence: synonymous variant. On other transcripts: non-coding transcript variant (1).
Genome position (GRCh38, 1-based): chr10:68,431,904, C>T on the plus strand (G>A on the coding strand, the complement: DNA2 is on the minus strand). VCF-style: chr10-68431904-C-T. GRCh37 (hg19) VCF-style: chr10-70191661-C-T.
Identifiers: ClinVar variation 3674902 (VCV003674902.2).
Genomic context (GRCh38, chr10:68,431,904, plus strand): 5'-GAAGAATAATAACCTTACGAGAGTACATATCGTAGTTGTTTTTCCTGTCCCAGGCATACC[C>T]ACGATGAGTGTGTAGTCTTTTGAAAGAAGTACCTTTTTCATCGCTTGCCTCTGAGGCTTA-3'
Protein context (NP_001073918.2, residues 637-657): VLLSKDYTLI[Val647=]GMPGTGKTTT

ClinVar aggregate classification (germline): Uncertain significance (1 of 4 stars; one submission).

Submission:

Labcorp Genetics (formerly Invitae), Labcorp
Classification: Uncertain significance. Last evaluated: 2024-12-17. Review status: criteria provided, single submitter. Criteria: Invitae Variant Classification Sherloc (09022015). Collection method: clinical testing. Allele origin: germline.
Comment: This sequence change affects codon 647 of the DNA2 mRNA. It is a 'silent' change, meaning that it does not change the encoded amino acid sequence of the DNA2 protein. This variant is not present in population databases (gnomAD no frequency). This variant has not been reported in the literature in individuals affected with DNA2-related conditions. Algorithms developed to predict the effect of sequence changes on RNA splicing suggest that this variant may disrupt the consensus splice site. In summary, the available evidence is currently insufficient to determine the role of this variant in disease. Therefore, it has been classified as a Variant of Uncertain Significance.